The following is an entry in ClinVar:

NM_212482.4(FN1):c.4921G>C (p.Val1641Leu)

Gene: FN1 (fibronectin 1; minus strand). Cytogenetic location: 2q35.
Variant type: single nucleotide variant.
Coding change: c.4921G>C on transcript NM_212482.4 (MANE Select); coding-DNA position 4921, G replaced by C.
Protein change: p.Val1641Leu; replaces valine 1641 with leucine.
Molecular consequence: missense variant.
Genome position (GRCh38, 1-based): chr2:215,383,457, C>G on the plus strand (G>C on the coding strand, the complement: FN1 is on the minus strand). VCF-style: chr2-215383457-C-G. GRCh37 (hg19) VCF-style: chr2-216248180-C-G.
Other names: c.4921G>C, p.Val1641Leu (NM_001306129.2, NM_001306130.2, NM_001365517.2 and 3 more transcripts); c.4648G>C, p.Val1550Leu (NM_001306131.2, NM_001306132.2, NM_001365518.2 and 7 more transcripts); short protein forms V1550L, V1641L.
Identifiers: ClinVar variation 1973661 (VCV001973661.5), dbSNP rs762465255, ClinGen allele CA350478591.

ClinVar aggregate classification (germline): Uncertain significance (1 of 4 stars; one submission).

Allele frequency attached by ClinVar (database versions not stated): gnomAD 0.00001; TOPMed 0.00001.
gnomAD v4.1: 3 of 1,614,034 alleles (0.00019%); highest among the groups gnomAD compares: African/African-American, 0.0027%; no homozygotes.

Submission:

Labcorp Genetics (formerly Invitae), Labcorp
Classification: Uncertain significance. Last evaluated: 2025-06-12. Review status: criteria provided, single submitter. Criteria: Invitae Variant Classification Sherloc (09022015). Collection method: clinical testing. Allele origin: germline.
Comment: This sequence change replaces valine, which is neutral and non-polar, with leucine, which is neutral and non-polar, at codon 1641 of the FN1 protein (p.Val1641Leu). This variant is not present in population databases (gnomAD no frequency). This variant has not been reported in the literature in individuals affected with FN1-related conditions. ClinVar contains an entry for this variant (Variation ID: 1973661). An algorithm developed to predict the effect of missense changes on protein structure and function (PolyPhen-2) suggests that this variant is likely to be disruptive. In summary, the available evidence is currently insufficient to determine the role of this variant in disease. Therefore, it has been classified as a Variant of Uncertain Significance.